The following is an entry in ClinVar:

ClinVar aggregate classification (germline): Benign (1 of 4 stars; one submission).

Allele frequency attached by ClinVar (database versions not stated): 1000 Genomes Project 30x 0.18067; 1000 Genomes Project 0.18171; TOPMed 0.22135; gnomAD 0.22139 and 0.22237.
gnomAD v4.1: 33,843 of 151,962 alleles (22%); highest among the groups gnomAD compares: Admixed American, 34%; 4,830 homozygotes.

Submission:

GeneDx
Classification: Benign. Last evaluated: 2018-06-14. Review status: criteria provided, single submitter. Criteria: GeneDx Variant Classification (06012015). Collection method: clinical testing. Allele origin: germline. Affected: yes.
Comment: This variant is considered likely benign or benign based on one or more of the following criteria: it is a conservative change, it occurs at a poorly conserved position in the protein, it is predicted to be benign by multiple in silico algorithms, and/or has population frequency not consistent with disease.

NM_020117.11(LARS1):c.2148+164G>A

Gene: LARS1 (leucyl-tRNA synthetase 1; minus strand). Cytogenetic location: 5q32.
Variant type: single nucleotide variant.
Coding change: c.2148+164G>A on transcript NM_020117.11 (MANE Select); 164 bases into the intron after coding-DNA position 2148, G replaced by A.
Molecular consequence: intron variant.
Genome position (GRCh38, 1-based): chr5:146,140,040, C>T on the plus strand (G>A on the coding strand, the complement: LARS1 is on the minus strand). VCF-style: chr5-146140040-C-T. GRCh37 (hg19) VCF-style: chr5-145519603-C-T.
Other names: c.1986+164G>A (NM_001317965.2); c.2067+164G>A (NM_016460.4); c.2010+164G>A (NM_001317964.2).
Identifiers: ClinVar variation 670020 (VCV000670020.1), dbSNP rs67598659, ClinGen allele CA11984001.